The following is an entry in ClinVar:

ClinVar aggregate classification (germline): Uncertain significance. Review status: criteria provided, multiple submitters, no conflicts (2 of 4 stars). 2 submissions from 2 submitters: Uncertain significance (2). Last evaluated 2021-12-19.

Conditions:
Microcephalic primordial dwarfism due to RTTN deficiency (MSSP). Also called: Microcephaly, short stature, and polymicrogyria with or without seizures; MICROCEPHALY, SHORT STATURE, AND POLYMICROGYRIA. Identifiers: Orphanet 468631, MedGen C3553831, MONDO:0018764, OMIM 614833.

Allele frequency attached by ClinVar (database versions not stated): ExAC 0.00002; gnomAD 0.00003 and 0.00004; TOPMed 0.00006; ESP Exome Variant Server 0.00017.

Submissions (2):

Labcorp Genetics (formerly Invitae), Labcorp
Classification: Uncertain significance. Last evaluated: 2021-12-19. Review status: criteria provided, single submitter. Criteria: Invitae Variant Classification Sherloc (09022015). Collection method: clinical testing. Allele origin: germline.
Comment: This sequence change replaces serine, which is neutral and polar, with leucine, which is neutral and non-polar, at codon 117 of the RTTN protein (p.Ser117Leu). This variant is present in population databases (rs201840025, gnomAD 0.01%). This variant has not been reported in the literature in individuals affected with RTTN-related conditions. ClinVar contains an entry for this variant (Variation ID: 1031272). Algorithms developed to predict the effect of missense changes on protein structure and function are either unavailable or do not agree on the potential impact of this missense change (SIFT: "Deleterious"; PolyPhen-2: "Benign"; Align-GVGD: "Class C0"). In summary, the available evidence is currently insufficient to determine the role of this variant in disease. Therefore, it has been classified as a Variant of Uncertain Significance.

Baylor Genetics
Classification: Uncertain significance for Microcephalic primordial dwarfism due to RTTN deficiency. Last evaluated: 2019-10-12. Review status: criteria provided, single submitter. Criteria: ACMG Guidelines, 2015. Collection method: clinical testing. Allele origin: unknown. Affected: yes.
Comment: This variant was determined to be of uncertain significance according to ACMG Guidelines, 2015 [PMID:25741868].

NM_173630.4(RTTN):c.350C>T (p.Ser117Leu)

Gene: RTTN (rotatin; minus strand). Cytogenetic location: 18q22.2.
Variant type: single nucleotide variant.
Coding change: c.350C>T on transcript NM_173630.4 (MANE Select); coding-DNA position 350, C replaced by T.
Protein change: p.Ser117Leu; replaces serine 117 with leucine.
Molecular consequence: missense variant. On other transcripts: 5 prime UTR variant (1).
Genome position (GRCh38, 1-based): chr18:70,204,133, G>A on the plus strand (C>T on the coding strand, the complement: RTTN is on the minus strand). VCF-style: chr18-70204133-G-A. GRCh37 (hg19) VCF-style: chr18-67871369-G-A.
Other names: c.-2204C>T (NM_001318520.2); short protein forms S117L.
Identifiers: ClinVar variation 1031272 (VCV001031272.4), dbSNP rs201840025, ClinGen allele CA8996518.